The following is an entry in ClinVar:

NM_174936.4(PCSK9):c.660_667del (p.Ala220_Ser221insTer)

Gene: PCSK9 (proprotein convertase subtilisin/kexin type 9; plus strand). Cytogenetic location: 1p32.3.
Variant type: Deletion.
Coding change: c.660_667del on transcript NM_174936.4 (MANE Select); coding-DNA positions 660 to 667, 8 bases deleted (CAGCAAGT; older notation c.660_667delCAGCAAGT).
Protein change: p.Ala220_Ser221insTer.
Molecular consequence: frameshift variant. On other transcripts: nonsense (9).
Genome position (GRCh38, 1-based): chr1:55,052,652-55,052,659, CAGCAAGT deleted. VCF-style (leftmost placement, unchanged base first): chr1-55052651-CCAGCAAGT-C. GRCh37 (hg19) VCF-style: chr1-55518324-CCAGCAAGT-C.
Other names: c.783_790delCAGCAAGT, p.Ser262Terfs (NM_001407240.1); c.660_667delCAGCAAGT, p.Ser221Terfs (NM_001407241.1, NM_001407244.1, NM_001407247.1 and 1 more transcripts); c.663_670delCAGCAAGT, p.Ser222Terfs (NM_001407242.1); c.603_610delCAGCAAGT, p.Ser202Terfs (NM_001407243.1); c.468_475delCAGCAAGT, p.Ser157Terfs (NM_001407245.1); c.285_292delCAGCAAGT, p.Ser96Terfs (NM_001407246.1); c.660_667delCAGCAAGT (NM_174936.4).
Identifiers: ClinVar variation 1172040 (VCV001172040.4), dbSNP rs749813311, ClinGen allele CA043958.
Genomic context (GRCh38, chr1:55,052,651, plus strand): 5'-GATTTGTTATAGGGTGGAGGGGGGGTCTTTCTCATGTGGTCCTTGTGTTCGTCGAGCAGG[CCAGCAAGT>C]GTGACAGTCATGGCACCCACCTGGCAGGGGTGGTCAGCGGCCGGGATGCCGGCGTGGCCA-3'

ClinVar aggregate classification (germline): Conflicting classifications of pathogenicity. Review status: criteria provided, conflicting classifications (1 of 4 stars). 2 submissions from 2 submitters: Uncertain significance (1); Likely benign (1). Last evaluated 2026-04-08.

Conditions:
Familial hypercholesterolemia. Also called: Familial hypercholesterolemias; Familial hypercholesterolaemia. Identifiers: MedGen C0020445, MONDO:0005439.

Allele frequency attached by ClinVar (database versions not stated): gnomAD exomes below 0.00001 and 0.00001; ExAC 0.00001; gnomAD 0.00001 and 0.00002; TOPMed 0.00001.

Submissions (2):

Women's Health and Genetics/Laboratory Corporation of America, LabCorp
Classification: Uncertain significance. Last evaluated: 2026-04-08. Review status: criteria provided, single submitter. Criteria: LabCorp Variant Classification Summary - May 2015. Collection method: clinical testing. Allele origin: germline.
Comment: Variant summary: PCSK9 c.660_667delCAGCAAGT (p.Ser221X) results in a premature termination codon, predicted to cause a truncation of the encoded protein or absence of the protein due to nonsense mediated decay. However, there is not yet sufficient evidence to establish loss of function as a disease mechanism of PCSK9. The variant allele was found at a frequency of 8e-06 in 249238 control chromosomes. c.660_667delCAGCAAGT has been found in an individual in the UK Biobank cohort (Jugens_2022), however clinical details were limited. To our knowledge, this variant has not been observed in individuals affected with Familial Hypocholesterolemia and no experimental evidence demonstrating an impact on protein function has been reported. The following publication has been ascertained in the context of this evaluation (PMID: 35177841). ClinVar contains an entry for this variant (Variation ID: 1172040). To our knowledge, this variant has not been reported in individuals with Familial Hypercholesterolemia or Early Onset Coronary Artery Disease. Based on the evidence outlined above, the variant was classified as uncertain significance.

Color Diagnostics, LLC DBA Color Health
Classification: Likely benign for Familial hypercholesterolemia. Last evaluated: 2020-08-20. Review status: criteria provided, single submitter. Criteria: ACMG Guidelines, 2015. Collection method: clinical testing. Allele origin: germline.

Literature cited by the submitters: PubMed 35177841 (cited by Women's Health and Genetics/Laboratory Corporation of America, LabCorp).